The following is an entry in ClinVar:

NM_002875.5(RAD51):c.177G>A (p.Glu59=)

Gene: RAD51 (RAD51 recombinase; plus strand). Cytogenetic location: 15q15.1.
Variant type: single nucleotide variant.
Coding change: c.177G>A on transcript NM_002875.5 (MANE Select); coding-DNA position 177, G replaced by A.
Protein change: p.Glu59=; no amino-acid change (glutamic acid 59 retained).
Molecular consequence: synonymous variant.
Genome position (GRCh38, 1-based): chr15:40,701,153, G>A. VCF-style: chr15-40701153-G-A. GRCh37 (hg19) VCF-style: chr15-40993351-G-A.
Other names: c.177G>A, p.Glu59= (NM_001164269.2, NM_001164270.2, NM_133487.4).
Identifiers: ClinVar variation 4874066 (VCV004874066.2).
Genomic context (GRCh38, chr15:40,701,153, plus strand): 5'-GAAATTGGAAGAAGCTGGATTCCATACTGTGGAGGCTGTTGCCTATGCGCCAAAGAAGGA[G>A]CTAATAAATATTAAGGGAATTAGTGAAGCCAAAGCTGATAAAATTCTGGTAAGTACTGCT-3'
Protein context (NP_002866.2, residues 49-69): VEAVAYAPKK[Glu59=]LINIKGISEA

ClinVar aggregate classification (germline): Likely benign (1 of 4 stars; one submission).

Submission:

CeGaT Center for Human Genetics Tuebingen
Classification: Likely benign. Last evaluated: 2026-09-01. Review status: criteria provided, single submitter. Criteria: CeGaT Center For Human Genetics Tuebingen Variant Classification Criteria Version 2. Collection method: clinical testing. Allele origin: germline. Affected: yes. Observed: 2 variant alleles.
Comment: RAD51: PM2:Supporting, BP4, BP7